The following is an entry in ClinVar:

NM_000465.4(BARD1):c.899del (p.Pro300fs)

Gene: BARD1 (BRCA1 associated RING domain 1; minus strand). Cytogenetic location: 2q35.
Variant type: Deletion.
Coding change: c.899del on transcript NM_000465.4 (MANE Select); coding-DNA position 899, one base deleted (C; older notation c.899delC).
Protein change: p.Pro300fs; shifts the reading frame from proline 300.
Molecular consequence: frameshift variant. On other transcripts: non-coding transcript variant (2), intron variant (3).
Genome position (GRCh38, 1-based): chr2:214,780,975, G deleted on the plus strand (C on the coding strand, the reverse complement: BARD1 is on the minus strand); the first of 2 consecutive G bases (chr2:214,780,975-214,780,976); deleting either gives the same sequence. VCF-style (leftmost placement, unchanged base first): chr2-214780974-AG-A. GRCh37 (hg19) VCF-style: chr2-215645698-AG-A.
Other names: c.842del, p.Pro281fs (NM_001282543.2); c.159-28420del (NM_001282548.2); c.215+16086del (NM_001282545.2); c.364+11322del (NM_001282549.2); short protein forms P300fs, P281fs.
Identifiers: ClinVar variation 1765379 (VCV001765379.5), dbSNP rs2469506925, ClinGen allele CA2580065662.

ClinVar aggregate classification (germline): Pathogenic. Review status: criteria provided, multiple submitters, no conflicts (2 of 4 stars). 3 submissions from 3 submitters: Pathogenic (3). Last evaluated 2025-03-05.

Conditions:
Hereditary cancer-predisposing syndrome. Also called: Neoplastic Syndromes, Hereditary; Tumor predisposition; Hereditary Cancer Syndrome; Hereditary neoplastic syndrome. Identifiers: Orphanet 140162, MedGen C0027672, MeSH D009386, MONDO:0015356.
Familial cancer of breast. Also called: hereditary breast carcinoma; BREAST CANCER, FAMILIAL; Hereditary breast cancer. Identifiers: Orphanet 227535, MedGen C0346153, MONDO:0016419, OMIM 114480. Disease mechanism: loss of function.

Submissions (3):

Myriad Genetics, Inc.
Classification: Pathogenic for Familial cancer of breast. Last evaluated: 2025-03-05. Review status: criteria provided, single submitter. Criteria: Myriad Autosomal Dominant, Autosomal Recessive and X-Linked Classification Criteria (2023). Collection method: clinical testing. Allele origin: unknown.
Comment: This variant is considered pathogenic. This variant creates a frameshift predicted to result in premature protein truncation.

Color Diagnostics, LLC DBA Color Health
Classification: Pathogenic for Hereditary cancer-predisposing syndrome. Last evaluated: 2022-04-05. Review status: criteria provided, single submitter. Criteria: ACMG Guidelines, 2015. Collection method: clinical testing. Allele origin: germline.
Comment: This variant deletes 1 nucleotide in exon 4 of the BARD1 gene, creating a frameshift and premature translation stop signal. This variant is expected to result in an absent or non-functional protein product. To our knowledge, this variant has not been reported in individuals affected with hereditary cancer in the literature. This variant has not been identified in the general population by the Genome Aggregation Database (gnomAD). Loss of BARD1 function is a known mechanism of disease. Based on the available evidence, this variant is classified as Pathogenic.

Ambry Genetics
Classification: Pathogenic for Hereditary cancer-predisposing syndrome. Last evaluated: 2022-01-07. Review status: criteria provided, single submitter. Criteria: Ambry Variant Classification Scheme 2023. Collection method: clinical testing. Allele origin: germline.
Comment: The c.899delC pathogenic mutation, located in coding exon 4 of the BARD1 gene, results from a deletion of one nucleotide at nucleotide position 899, causing a translational frameshift with a predicted alternate stop codon (p.P300Lfs*17). This variant is considered to be rare based on population cohorts in the Genome Aggregation Database (gnomAD). This alteration is expected to result in loss of function by premature protein truncation or nonsense-mediated mRNA decay. As such, this alteration is interpreted as a disease-causing mutation.